The following is an entry in ClinVar:

ClinVar aggregate classification (germline): Conflicting classifications of pathogenicity. Review status: criteria provided, conflicting classifications (1 of 4 stars). 6 submissions from 6 submitters: Uncertain significance (4); Likely benign (2). Last evaluated 2025-03-04.

Conditions:
Cardiovascular phenotype. Identifiers: MedGen CN230736.
TTN-related disorder. Also called: TTN-related disorders; TTN-related condition; TTN-related disease.

Submissions (6):

Ambry Genetics
Classification: Uncertain significance for Cardiovascular phenotype. Last evaluated: 2025-03-04. Review status: criteria provided, single submitter. Criteria: Ambry Variant Classification Scheme 2023. Collection method: clinical testing. Allele origin: germline.
Comment: The c.2145_2150delTAAAGC variant (also known as p.K716_A717del) is located in coding exon 12 of the TTN gene. This variant results from an in-frame TAAAGC deletion at nucleotide positions 2145 to 2150. This results in the in-frame deletion of a at codon 716. This amino acid position is well conserved in available vertebrate species. In addition, this alteration is predicted to be deleterious by in silico analysis (Choi Y et al. PLoS ONE. 2012; 7(10):e46688). Since supporting evidence is limited at this time, the clinical significance of this alteration remains unclear.

Revvity Omics, Revvity
Classification: Uncertain significance. Last evaluated: 2023-10-27. Review status: criteria provided, single submitter. Criteria: ACMG Guidelines, 2015. Collection method: clinical testing. Allele origin: germline.

Laboratory for Molecular Medicine, Mass General Brigham Personalized Medicine
Classification: Likely benign. Last evaluated: 2020-09-22. Review status: criteria provided, single submitter. Criteria: LMM Criteria. Collection method: clinical testing. Allele origin: germline. Observed: 1 variant allele.
Comment: The p.Lys762_Ala763del variant in TTN is classified as likely benign because it has been identified in 0.058% (18/30614) of South Asian chromosomes by gnomAD. ACMG/AMP Criteria applied: BS1.

Genomic Research Center, Shahid Beheshti University of Medical Sciences
Classification: Uncertain significance for TTN-Related Disorders. Last evaluated: 2019-04-27. Review status: criteria provided, single submitter. Criteria: ACMG Guidelines, 2015. Collection method: clinical testing. Allele origin: unknown. Affected: yes.

GeneDx
Classification: Likely benign. Last evaluated: 2019-03-26. Review status: criteria provided, single submitter. Criteria: GeneDx Variant Classification Process June 2021. Collection method: clinical testing. Allele origin: germline. Affected: yes.

Eurofins Ntd Llc (ga)
Classification: Uncertain significance. Last evaluated: 2015-09-11. Review status: criteria provided, single submitter. Criteria: EGL Classification Definitions 2015. Collection method: clinical testing. Allele origin: germline. Observed: 1 variant allele, 1 heterozygote.

NM_001267550.2(TTN):c.2283_2288del (p.Lys762_Ala763del)

Gene: TTN (titin; minus strand). Cytogenetic location: 2q31.2.
Variant type: Deletion.
Coding change: c.2283_2288del on transcript NM_001267550.2 (MANE Select); coding-DNA positions 2283 to 2288, 6 bases deleted (TAAAGC; older notation c.2283_2288delTAAAGC).
Protein change: p.Lys762_Ala763del.
Molecular consequence: inframe deletion.
Genome position (GRCh38, 1-based): chr2:178,785,930-178,785,935, GCTTTA deleted on the plus strand (TAAAGC on the coding strand, the reverse complement: TTN is on the minus strand); deleting any 6 consecutive bases within chr2:178,785,930-178,785,936 gives the same sequence; the c. name uses the placement nearest the transcript's 3' end. VCF-style (leftmost placement, unchanged base first): chr2-178785929-TGCTTTA-T. GRCh37 (hg19) VCF-style: chr2-179650656-TGCTTTA-T.
Other names: c.2145_2150delTAAAGC (NM_003319.4); c.2283_2288del, p.Lys762_Ala763del (NM_001256850.1, NM_133378.4, NM_133379.5); c.2145_2150del, p.Lys716_Ala717del (NM_003319.4, NM_133432.3, NM_133437.4); c.2283_2288delTAAAGC (NM_133378.4, NM_001256850.1).
Identifiers: ClinVar variation 166336 (VCV000166336.20), dbSNP rs727503701, ClinGen allele CA179381.
Genomic context (GRCh38, chr2:178,785,929, plus strand): 5'-CTTTTGATCAGTAGTTTTGATATGAGTCTCAGAAGGAGCCTGGATTACTCTAGGCTTGAC[TGCTTTA>T]GGGACAACGTGGGGTTCTGAGGCTGGACGTTGGGGAGGCTCAGCTACCTTTGCGGCGGAA-3'